The following is an entry in ClinVar:

NM_001365276.2(TNXB):c.6178G>A (p.Gly2060Ser)

Gene: TNXB (tenascin XB; minus strand). Cytogenetic location: 6p21.33.
Variant type: single nucleotide variant.
Coding change: c.6178G>A on transcript NM_001365276.2 (MANE Select); coding-DNA position 6178, G replaced by A.
Protein change: p.Gly2060Ser; replaces glycine 2060 with serine.
Molecular consequence: missense variant.
Genome position (GRCh38, 1-based): chr6:32,068,432, C>T on the plus strand (G>A on the coding strand, the complement: TNXB is on the minus strand). VCF-style: chr6-32068432-C-T. GRCh37 (hg19) VCF-style: chr6-32036209-C-T.
Other names: c.6178G>A, p.Gly2060Ser (NM_019105.8); short protein forms G2060S.
Identifiers: ClinVar variation 1752032 (VCV001752032.3), dbSNP rs1193752770, ClinGen allele CA363402283.

ClinVar aggregate classification (germline): Uncertain significance. Review status: criteria provided, multiple submitters, no conflicts (2 of 4 stars). 2 submissions from 2 submitters: Uncertain significance (2). Last evaluated 2024-05-23.

Conditions:
Cardiovascular phenotype. Identifiers: MedGen CN230736.

Allele frequency attached by ClinVar (database versions not stated): gnomAD 0.00001; gnomAD exomes 0.00001; TOPMed 0.00001.

Submissions (2):

GeneDx
Classification: Uncertain significance. Last evaluated: 2024-05-23. Review status: criteria provided, single submitter. Criteria: GeneDx Variant Classification Process June 2021. Collection method: clinical testing. Allele origin: germline. Affected: yes.
Comment: Not observed at significant frequency in large population cohorts (gnomAD); In silico analysis indicates that this missense variant does not alter protein structure/function; Has not been previously published as pathogenic or benign to our knowledge

Ambry Genetics
Classification: Uncertain significance for Cardiovascular phenotype. Last evaluated: 2018-12-31. Review status: criteria provided, single submitter. Criteria: Ambry Variant Classification Scheme 2023. Collection method: clinical testing. Allele origin: germline.
Comment: The p.G2060S variant (also known as c.6178G>A), located in coding exon 16 of the TNXB gene, results from a G to A substitution at nucleotide position 6178. The glycine at codon 2060 is replaced by serine, an amino acid with similar properties. This amino acid position is poorly conserved in available vertebrate species. In addition, this alteration is predicted to be tolerated by in silico analysis. Since supporting evidence is limited at this time, the clinical significance of this alteration remains unclear.